The following is an entry in ClinVar:

NM_001082486.2(ACD):c.-32G>C

Gene: ACD (ACD shelterin complex subunit and telomerase recruitment factor; minus strand). Cytogenetic location: 16q22.1.
Variant type: single nucleotide variant.
Coding change: c.-32G>C on transcript NM_001082486.2 (MANE Select); 32 bases upstream of the start codon, G replaced by C.
Molecular consequence: 5 prime UTR variant.
Genome position (GRCh38, 1-based): chr16:67,660,252, C>G on the plus strand (G>C on the coding strand, the complement: ACD is on the minus strand). VCF-style: chr16-67660252-C-G. GRCh37 (hg19) VCF-style: chr16-67694155-C-G.
Other names: c.-32G>C (NM_001410884.1, NM_022914.3).
Identifiers: ClinVar variation 3480106 (VCV003480106.1).

ClinVar aggregate classification (germline): Uncertain significance (1 of 4 stars; one submission).

Conditions:
Inborn genetic diseases. Identifiers: MedGen C0950123, MeSH D030342.

Submission:

Ambry Genetics
Classification: Uncertain significance for Inborn genetic diseases. Last evaluated: 2024-07-27. Review status: criteria provided, single submitter. Criteria: Ambry Variant Classification Scheme 2023. Collection method: clinical testing. Allele origin: germline.
Comment: The p.G76A variant (also known as c.227G>C), located in coding exon 1 of the ACD gene, results from a G to C substitution at nucleotide position 227. The glycine at codon 76 is replaced by alanine, an amino acid with similar properties. This amino acid position is conserved. In addition, this alteration is predicted to be tolerated by in silico analysis. Based on the available evidence, the clinical significance of this variant remains unclear.